The following is an entry in ClinVar:

ClinVar aggregate classification (germline): Uncertain significance (1 of 4 stars; one submission).

Submission:

GeneDx
Classification: Uncertain significance. Last evaluated: 2026-03-02. Review status: criteria provided, single submitter. Criteria: GeneDx Variant Classification Process June 2021. Collection method: clinical testing. Allele origin: germline.
Comment: Not observed at significant frequency in large population cohorts (gnomAD); In silico analysis supports that this missense variant has a deleterious effect on protein structure/function; Has not been previously published as pathogenic or benign to our knowledge

NM_018896.5(CACNA1G):c.1847C>T (p.Pro616Leu)

Gene: CACNA1G (calcium voltage-gated channel subunit alpha1 G; plus strand). Cytogenetic location: 17q21.33.
Variant type: single nucleotide variant.
Coding change: c.1847C>T on transcript NM_018896.5 (MANE Select); coding-DNA position 1847, C replaced by T.
Protein change: p.Pro616Leu; replaces proline 616 with leucine.
Molecular consequence: missense variant. On other transcripts: non-coding transcript variant (5).
Genome position (GRCh38, 1-based): chr17:50,576,249, C>T. VCF-style: chr17-50576249-C-T. GRCh37 (hg19) VCF-style: chr17-48653610-C-T.
Other names: c.1847C>T, p.Pro616Leu (NM_001256324.2, NM_001256325.2, NM_001256326.2 and 24 more transcripts); short protein forms P616L.
Identifiers: ClinVar variation 4755963 (VCV004755963.2).